The following is an entry in ClinVar:

NM_004036.5(ADCY3):c.3237C>T (p.Val1079=)

Genes: ADCY3 (adenylate cyclase 3; minus strand), CENPO (centromere protein O; plus strand). Cytogenetic location: 2p23.3.
Variant type: single nucleotide variant.
Coding change: c.3237C>T on transcript NM_004036.5 (MANE Select); coding-DNA position 3237, C replaced by T.
Protein change: p.Val1079=; no amino-acid change (valine 1079 retained).
Molecular consequence: synonymous variant. On other transcripts: 3 prime UTR variant (3), non-coding transcript variant (3).
Genome position (GRCh38, 1-based): chr2:24,820,739, G>A on the plus strand (C>T on the coding strand, the complement: ADCY3 is on the minus strand). VCF-style: chr2-24820739-G-A. GRCh37 (hg19) VCF-style: chr2-25043608-G-A.
Other names: c.3240C>T, p.Val1080= (NM_001320613.2); c.3303C>T, p.Val1101= (NM_001377128.1); c.3099C>T, p.Val1033= (NM_001377129.1); c.2685C>T, p.Val895= (NM_001377130.1); c.2514C>T, p.Val838= (NM_001377131.1); c.3237C>T, p.Val1079= (NM_001377132.1); c.*1421G>A (NM_001199803.3, NM_001322101.2, NM_024322.4).
Identifiers: ClinVar variation 3358145 (VCV003358145.3).

ClinVar aggregate classification (germline): Likely benign. Review status: criteria provided, single submitter (1 of 4 stars). 2 submissions from 2 submitters: Likely benign (1). 1 of the submissions does not count toward it. Last evaluated 2024-02-06.

Conditions:
ADCY3-related disorder. Also called: ADCY3-related condition.

gnomAD v4.1: 2 of 1,613,976 alleles (0.00012%); highest among the groups gnomAD compares: Admixed American, 0.0017%; no homozygotes.

Submissions (2):

Labcorp Genetics (formerly Invitae), Labcorp
Classification: Likely benign. Last evaluated: 2024-02-06. Review status: criteria provided, single submitter. Criteria: Invitae Variant Classification Sherloc (09022015). Collection method: clinical testing. Allele origin: germline.

PreventionGenetics, part of Exact Sciences
Classification: Likely benign for ADCY3-related condition. Last evaluated: 2022-11-29. Review status: no assertion criteria provided. Collection method: clinical testing. Allele origin: germline. Not counted in ClinVar's aggregate classification.
Comment: This variant is classified as likely benign based on ACMG/AMP sequence variant interpretation guidelines (Richards et al. 2015 PMID: 25741868, with internal and published modifications).